The following is an entry in ClinVar:

NM_001130987.2(DYSF):c.4150G>T (p.Val1384Leu)

Gene: DYSF (dysferlin; plus strand). Cytogenetic location: 2p13.2.
Variant type: single nucleotide variant.
Coding change: c.4150G>T on transcript NM_001130987.2 (MANE Select); coding-DNA position 4150, G replaced by T.
Protein change: p.Val1384Leu; replaces valine 1384 with leucine.
Molecular consequence: missense variant.
Genome position (GRCh38, 1-based): chr2:71,611,555, G>T. VCF-style: chr2-71611555-G-T. GRCh37 (hg19) VCF-style: chr2-71838685-G-T.
Other names: c.4099G>T, p.Val1367Leu (NM_001130455.2, NM_001130983.2); c.4054G>T, p.Val1352Leu (NM_001130976.2, NM_001130977.2); c.4096G>T, p.Val1366Leu (NM_001130978.2, NM_003494.4); c.4189G>T, p.Val1397Leu (NM_001130979.2); c.4147G>T, p.Val1383Leu (NM_001130980.2, NM_001130981.2); c.4192G>T, p.Val1398Leu (NM_001130982.2); c.4057G>T, p.Val1353Leu (NM_001130984.2, NM_001130986.2); c.4150G>T, p.Val1384Leu (NM_001130985.2); short protein forms V1352L, V1353L, V1367L, V1383L, V1397L, V1366L, V1384L, V1398L.
Identifiers: ClinVar variation 1503167 (VCV001503167.3), dbSNP rs1404000468, ClinGen allele CA347228570.

ClinVar aggregate classification (germline): Uncertain significance (1 of 4 stars; one submission).

Conditions:
Neuromuscular disease caused by qualitative or quantitative defects of dysferlin. Also called: Qualitative or quantitative defects of dysferlin; Dysferlinopathy. Identifiers: Orphanet 207073, MedGen C2931687, MONDO:0016145.

Allele frequency attached by ClinVar (database versions not stated): TOPMed below 0.00001; gnomAD 0.00001.
gnomAD v4.1: 4 of 1,613,862 alleles (0.00025%); highest among the groups gnomAD compares: Non-Finnish European, 0.00034%; no homozygotes.

Submission:

Labcorp Genetics (formerly Invitae), Labcorp
Classification: Uncertain significance for Neuromuscular disease caused by qualitative or quantitative defects of dysferlin. Last evaluated: 2021-11-23. Review status: criteria provided, single submitter. Criteria: Invitae Variant Classification Sherloc (09022015). Collection method: clinical testing. Allele origin: germline.
Comment: This sequence change replaces valine, which is neutral and non-polar, with leucine, which is neutral and non-polar, at codon 1366 of the DYSF protein (p.Val1366Leu). This variant is present in population databases (no rsID available, gnomAD 0.007%). This variant has not been reported in the literature in individuals affected with DYSF-related conditions. Advanced modeling of protein sequence and biophysical properties (such as structural, functional, and spatial information, amino acid conservation, physicochemical variation, residue mobility, and thermodynamic stability) performed at Invitae indicates that this missense variant is not expected to disrupt DYSF protein function. In summary, the available evidence is currently insufficient to determine the role of this variant in disease. Therefore, it has been classified as a Variant of Uncertain Significance.